The following is an entry in ClinVar:

ClinVar aggregate classification (germline): Conflicting classifications of pathogenicity. Review status: criteria provided, conflicting classifications (1 of 4 stars). 4 submissions from 4 submitters: Uncertain significance (1); Likely benign (3). Last evaluated 2025-10-14.

Conditions:
FANCM-related disorder. Also called: FANCM-related condition.
Fanconi anemia (FA). Also called: Fanconi's anemia. Identifiers: Orphanet 84, MedGen C0015625, MeSH D005199, MONDO:0019391.

Allele frequency attached by ClinVar (database versions not stated): TOPMed 0.00005; ESP Exome Variant Server 0.00008; ExAC 0.00020; gnomAD exomes 0.00028; gnomAD 0.00038 and 0.00041.
gnomAD v4.1: 283 of 1,607,100 alleles (0.018%); highest among the groups gnomAD compares: Middle Eastern, 0.017%; 2 homozygotes.

Submissions (4):

Labcorp Genetics (formerly Invitae), Labcorp
Classification: Likely benign for Fanconi anemia. Last evaluated: 2025-10-14. Review status: criteria provided, single submitter. Criteria: Invitae Variant Classification Sherloc (09022015). Collection method: clinical testing. Allele origin: germline.

GeneDx
Classification: Uncertain significance. Last evaluated: 2025-10-01. Review status: criteria provided, single submitter. Criteria: GeneDx Variant Classification Process June 2021. Collection method: clinical testing. Allele origin: germline. Affected: yes.
Comment: Observed in individuals with ovarian cancer (PMID: 28881617); In silico analysis suggests that this missense variant does not alter protein structure/function; This variant is associated with the following publications: (PMID: 27713038, 28881617, 33471991)

PreventionGenetics, part of Exact Sciences
Classification: Likely benign for FANCM-related condition. Last evaluated: 2025-02-20. Review status: criteria provided, single submitter. Criteria: ACMG Guidelines, 2015. Collection method: clinical testing. Allele origin: germline.
Comment: This variant is classified as likely benign based on ACMG/AMP sequence variant interpretation guidelines (Richards et al. 2015 PMID: 25741868, with internal and published modifications).

Quest Diagnostics Nichols Institute San Juan Capistrano
Classification: Likely benign. Last evaluated: 2023-06-21. Review status: criteria provided, single submitter. Criteria: Quest Diagnostics criteria. Collection method: clinical testing. Allele origin: unknown.

Literature cited by the submitters: PubMed 33471991 (cited by Quest Diagnostics Nichols Institute San Juan Capistrano).

NM_020937.4(FANCM):c.4084G>A (p.Asp1362Asn)

Gene: FANCM (FA complementation group M; plus strand). Cytogenetic location: 14q21.2.
Variant type: single nucleotide variant.
Coding change: c.4084G>A on transcript NM_020937.4 (MANE Select); coding-DNA position 4084, G replaced by A.
Protein change: p.Asp1362Asn; replaces aspartic acid 1362 with asparagine.
Molecular consequence: missense variant.
Genome position (GRCh38, 1-based): chr14:45,176,838, G>A. VCF-style: chr14-45176838-G-A. GRCh37 (hg19) VCF-style: chr14-45646041-G-A.
Other names: c.4006G>A, p.Asp1336Asn (NM_001308133.2); c.4084G>A (NM_020937.3); short protein forms D1362N, D1336N.
Identifiers: ClinVar variation 697850 (VCV000697850.18), dbSNP rs199895244, ClinGen allele CA7169620.
Genomic context (GRCh38, chr14:45,176,838, plus strand): 5'-TCTAAATCAAACACATTGAACTCATTTTCTAAGATAAGAAAGGAAATACTTAAGACACCA[G>A]ATTCTAGTAAGGAAAAAGTAAACCTACAAAGATTCAAAGAAGCATTGAATTCAACTTTTG-3'
Protein context (NP_065988.1, residues 1352-1372): KIRKEILKTP[Asp1362Asn]SSKEKVNLQR